The following is an entry in ClinVar:

ClinVar aggregate classification (germline): Uncertain significance (1 of 4 stars; one submission).

Conditions:
Inborn genetic diseases. Identifiers: MedGen C0950123, MeSH D030342.

Submission:

Ambry Genetics
Classification: Uncertain significance for Inborn genetic diseases. Last evaluated: 2022-04-12. Review status: criteria provided, single submitter. Criteria: Ambry Variant Classification Scheme 2023. Collection method: clinical testing. Allele origin: germline.
Comment: The p.F925S variant (also known as c.2774T>C), located in coding exon 13 of the ATR gene, results from a T to C substitution at nucleotide position 2774. The phenylalanine at codon 925 is replaced by serine, an amino acid with highly dissimilar properties. This amino acid position is conserved. In addition, this alteration is predicted to be deleterious by in silico analysis. Since supporting evidence is limited at this time, the clinical significance of this alteration remains unclear.

NM_001184.4(ATR):c.2774T>C (p.Phe925Ser)

Gene: ATR (ATR checkpoint kinase; minus strand). Cytogenetic location: 3q23.
Variant type: single nucleotide variant.
Coding change: c.2774T>C on transcript NM_001184.4 (MANE Select); coding-DNA position 2774, T replaced by C.
Protein change: p.Phe925Ser; replaces phenylalanine 925 with serine.
Molecular consequence: missense variant.
Genome position (GRCh38, 1-based): chr3:142,553,258, A>G on the plus strand (T>C on the coding strand, the complement: ATR is on the minus strand). VCF-style: chr3-142553258-A-G. GRCh37 (hg19) VCF-style: chr3-142272100-A-G.
Other names: c.2582T>C, p.Phe861Ser (NM_001354579.2); short protein forms F861S, F925S.
Identifiers: ClinVar variation 1795840 (VCV001795840.2), dbSNP rs2473379612, ClinGen allele CA354814303.